The following is an entry in ClinVar:

NM_015419.4(MXRA5):c.7843C>T (p.Arg2615Cys)

Gene: MXRA5 (matrix remodeling associated 5; minus strand). Cytogenetic location: Xp22.33.
Variant type: single nucleotide variant.
Coding change: c.7843C>T on transcript NM_015419.4 (MANE Select); coding-DNA position 7843, C replaced by T.
Protein change: p.Arg2615Cys; replaces arginine 2615 with cysteine.
Molecular consequence: missense variant.
Genome position (GRCh38, 1-based): chrX:3,310,360, G>A on the plus strand (C>T on the coding strand, the complement: MXRA5 is on the minus strand). VCF-style: chrX-3310360-G-A. GRCh37 (hg19) VCF-style: chrX-3228401-G-A.
Other names: short protein forms R2615C.
Identifiers: ClinVar variation 2589646 (VCV002589646.26), dbSNP rs41308359, ClinGen allele CA10339363.
Genomic context (GRCh38, chrX:3,310,360, plus strand): 5'-GTCCCACCTTCAGGGAGACCAGCCTCTCCGTGTGGCCAGCGGCATTGCGGGCCACGCAGC[G>A]GTAGGCCCCGGCGTCCACCGAGGAGAGACCGCTAATGTGTAGCATGCCGTCAGCCTTGTG-3'
Protein context (NP_056234.2, residues 2605-2625): GLSSVDAGAY[Arg2615Cys]CVARNAAGHT

ClinVar aggregate classification (germline): Conflicting classifications of pathogenicity. Review status: criteria provided, conflicting classifications (1 of 4 stars). 2 submissions from 2 submitters: Uncertain significance (1); Likely benign (1). Last evaluated 2025-10-27.

Allele frequency attached by ClinVar (database versions not stated): TOPMed 0.00010; ExAC 0.00013; gnomAD 0.00014; 1000 Genomes Project 0.00026; 1000 Genomes Project 30x 0.00042.
gnomAD v4.1: 216 of 1,201,590 alleles (0.018%); highest among the groups gnomAD compares: Non-Finnish European, 0.023%; no homozygotes.

Submissions (2):

Ambry Genetics
Classification: Uncertain significance. Last evaluated: 2025-10-27. Review status: criteria provided, single submitter. Criteria: Ambry Variant Classification Scheme 2023. Collection method: clinical testing. Allele origin: germline.

CeGaT Center for Human Genetics Tuebingen
Classification: Likely benign. Last evaluated: 2023-03-01. Review status: criteria provided, single submitter. Criteria: CeGaT Center For Human Genetics Tuebingen Variant Classification Criteria Version 2. Collection method: clinical testing. Allele origin: germline. Affected: yes. Observed: 1 variant allele.
Comment: MXRA5: BS2